The following is an entry in ClinVar:

ClinVar aggregate classification (germline): Uncertain significance. Review status: criteria provided, multiple submitters, no conflicts (2 of 4 stars). 2 submissions from 2 submitters: Uncertain significance (2). Last evaluated 2025-11-02.

Conditions:
Familial thoracic aortic aneurysm and aortic dissection (TAAD). Also called: Thoracic aortic aneurysms and dissections. Identifiers: Orphanet 91387, MedGen C4707243, MONDO:0019625.

Allele frequency attached by ClinVar (database versions not stated): gnomAD exomes below 0.00001.
gnomAD v4.1: 1 of 1,614,032 alleles (0.000062%); highest among the groups gnomAD compares: Non-Finnish European, 0.000085%; no homozygotes.

Submissions (2):

Ambry Genetics
Classification: Uncertain significance for Familial thoracic aortic aneurysm and aortic dissection. Last evaluated: 2025-11-02. Review status: criteria provided, single submitter. Criteria: Ambry Variant Classification Scheme 2023. Collection method: clinical testing. Allele origin: germline.
Comment: The p.S139I variant (also known as c.416G>T), located in coding exon 3 of the TGFBR2 gene, results from a G to T substitution at nucleotide position 416. The serine at codon 139 is replaced by isoleucine, an amino acid with dissimilar properties. This amino acid position is conserved. In addition, the in silico prediction for this alteration is inconclusive. Based on the available evidence, the clinical significance of this variant remains unclear.

Color Diagnostics, LLC DBA Color Health
Classification: Uncertain significance for Familial thoracic aortic aneurysm and aortic dissection. Last evaluated: 2024-03-06. Review status: criteria provided, single submitter. Criteria: ACMG Guidelines, 2015. Collection method: clinical testing. Allele origin: germline.
Comment: This missense variant replaces serine with isoleucine at codon 139 of the TGFBR2 protein. Computational prediction is inconclusive regarding the impact of this variant on protein structure and function (internally defined REVEL score threshold 0.5 < inconclusive < 0.7, PMID: 27666373). To our knowledge, functional studies have not been reported for this variant. This variant has not been reported in individuals affected with cardiovascular disorders in the literature. This variant has not been identified in the general population by the Genome Aggregation Database (gnomAD). The available evidence is insufficient to determine the role of this variant in disease conclusively. Therefore, this variant is classified as a Variant of Uncertain Significance.

NM_003242.6(TGFBR2):c.416G>T (p.Ser139Ile)

Gene: TGFBR2 (transforming growth factor beta receptor 2; plus strand). Cytogenetic location: 3p24.1.
Variant type: single nucleotide variant.
Coding change: c.416G>T on transcript NM_003242.6 (MANE Select); coding-DNA position 416, G replaced by T.
Protein change: p.Ser139Ile; replaces serine 139 with isoleucine.
Molecular consequence: missense variant. On other transcripts: intron variant (2).
Genome position (GRCh38, 1-based): chr3:30,650,422, G>T. VCF-style: chr3-30650422-G-T. GRCh37 (hg19) VCF-style: chr3-30691914-G-T.
Other names: c.491G>T, p.Ser164Ile (NM_001024847.3, NM_001407126.1, NM_001407139.1); c.416G>T, p.Ser139Ile (NM_001407127.1, NM_001407130.1); c.443G>T, p.Ser148Ile (NM_001407128.1); c.311G>T, p.Ser104Ile (NM_001407129.1, NM_001407132.1, NM_001407133.1 and 3 more transcripts); c.170-21216G>T (NM_001407137.1); c.95-21216G>T (NM_001407138.1); c.416G>T (NM_003242.5); short protein forms S104I, S139I, S164I, S148I.
Identifiers: ClinVar variation 2774568 (VCV002774568.3), dbSNP rs2125410579, ClinGen allele CA351807046.
Genomic context (GRCh38, chr3:30,650,422, plus strand): 5'-CAAAGTGCATTATGAAGGAAAAAAAAAAGCCTGGTGAGACTTTCTTCATGTGTTCCTGTA[G>T]CTCTGATGAGTGCAATGACAACATCATCTTCTCAGAAGGTGAGTTTTCTTCTCTTAAGGG-3'
Protein context (NP_003233.4, residues 129-149): PGETFFMCSC[Ser139Ile]SDECNDNIIF